The following is an entry in ClinVar:

NM_015114.3(ANKLE2):c.252C>T (p.Ile84=)

Gene: ANKLE2 (ankyrin repeat and LEM domain containing 2; minus strand). Cytogenetic location: 12q24.33.
Variant type: single nucleotide variant.
Coding change: c.252C>T on transcript NM_015114.3 (MANE Select); coding-DNA position 252, C replaced by T.
Protein change: p.Ile84=; no amino-acid change (isoleucine 84 retained).
Molecular consequence: synonymous variant.
Genome position (GRCh38, 1-based): chr12:132,755,063, G>A on the plus strand (C>T on the coding strand, the complement: ANKLE2 is on the minus strand). VCF-style: chr12-132755063-G-A. GRCh37 (hg19) VCF-style: chr12-133331649-G-A.
Identifiers: ClinVar variation 728967 (VCV000728967.5), dbSNP rs375031409, ClinGen allele CA6896015.
Genomic context (GRCh38, chr12:132,755,063, plus strand): 5'-TTTCTCAAAAATGAACCTTGTAGTTGATGTAATGGGTCCACATTTCAATCCGGCTTTGAC[G>A]ATTTCTTCTCTAAGGTCATCTGGATTCAGAAGTTTCAATCGAGCCAACAGAGCATCCATT-3'
Protein context (NP_055929.1, residues 74-94): LLNPDDLREE[Ile84=]VKAGLKCGPI

ClinVar aggregate classification (germline): Likely benign. Review status: criteria provided, single submitter (1 of 4 stars). 2 submissions from 2 submitters: Likely benign (1). 1 of the submissions does not count toward it. Last evaluated 2018-06-12.

Conditions:
ANKLE2-related disorder. Also called: ANKLE2-related condition.

Allele frequency attached by ClinVar (database versions not stated): gnomAD exomes 0.00002 and 0.00006; ExAC 0.00005; gnomAD 0.00015 and 0.00017; ESP Exome Variant Server 0.00017; TOPMed 0.00019.

Submissions (2):

Labcorp Genetics (formerly Invitae), Labcorp
Classification: Likely benign. Last evaluated: 2018-06-12. Review status: criteria provided, single submitter. Criteria: Invitae Variant Classification Sherloc (09022015). Collection method: clinical testing. Allele origin: germline.

PreventionGenetics, part of Exact Sciences
Classification: Likely benign for ANKLE2-related condition. Last evaluated: 2019-05-07. Review status: no assertion criteria provided. Collection method: clinical testing. Allele origin: germline. Not counted in ClinVar's aggregate classification.
Comment: This variant is classified as likely benign based on ACMG/AMP sequence variant interpretation guidelines (Richards et al. 2015 PMID: 25741868, with internal and published modifications).